The following is an entry in ClinVar:

NM_006767.4(LZTR1):c.1115C>T (p.Thr372Ile)

Gene: LZTR1 (leucine zipper like post translational regulator 1; plus strand). Cytogenetic location: 22q11.21.
Variant type: single nucleotide variant.
Coding change: c.1115C>T on transcript NM_006767.4 (MANE Select); coding-DNA position 1115, C replaced by T.
Protein change: p.Thr372Ile; replaces threonine 372 with isoleucine.
Molecular consequence: missense variant.
Genome position (GRCh38, 1-based): chr22:20,992,335, C>T. VCF-style: chr22-20992335-C-T. GRCh37 (hg19) VCF-style: chr22-21346624-C-T.
Other names: short protein forms T372I.
Identifiers: ClinVar variation 1796160 (VCV001796160.5), dbSNP rs1036934148, ClinGen allele CA322327955.
Genomic context (GRCh38, chr22:20,992,335, plus strand): 5'-ATGAGGAGCGGGTTGGCTTCAAGAAGTCCCGAGATGTGTTTGGCCTGGACTTTGGCACCA[C>T]CTCAGCCAAGCAGCCCACCCAGCCTGCCTCGGAGGTACAGGCTGGGATCCTCATTAAGAC-3'
Protein context (NP_006758.2, residues 362-382): RDVFGLDFGT[Thr372Ile]SAKQPTQPAS

ClinVar aggregate classification (germline): Conflicting classifications of pathogenicity. Review status: criteria provided, conflicting classifications (1 of 4 stars). 2 submissions from 2 submitters: Uncertain significance (1); Likely benign (1). Last evaluated 2025-08-03.

Conditions:
Cardiovascular phenotype. Identifiers: MedGen CN230736.
Hereditary cancer-predisposing syndrome. Also called: Tumor predisposition; Hereditary Cancer Syndrome; Neoplastic Syndromes, Hereditary; Hereditary neoplastic syndrome. Identifiers: Orphanet 140162, MedGen C0027672, MeSH D009386, MONDO:0015356.

Allele frequency attached by ClinVar (database versions not stated): gnomAD exomes below 0.00001.
gnomAD v4.1: 5 of 1,613,824 alleles (0.00031%); highest among the groups gnomAD compares: Non-Finnish European, 0.00034%; no homozygotes.

Submissions (2):

Labcorp Genetics (formerly Invitae), Labcorp
Classification: Uncertain significance. Last evaluated: 2025-08-03. Review status: criteria provided, single submitter. Criteria: Invitae Variant Classification Sherloc (09022015). Collection method: clinical testing. Allele origin: germline.
Comment: This sequence change replaces threonine, which is neutral and polar, with isoleucine, which is neutral and non-polar, at codon 372 of the LZTR1 protein (p.Thr372Ile). This variant is not present in population databases (gnomAD no frequency). This variant has not been reported in the literature in individuals affected with LZTR1-related conditions. ClinVar contains an entry for this variant (Variation ID: 1796160). Invitae Evidence Modeling of protein sequence and biophysical properties (such as structural, functional, and spatial information, amino acid conservation, physicochemical variation, residue mobility, and thermodynamic stability) indicates that this missense variant is not expected to disrupt LZTR1 protein function with a negative predictive value of 80%. In summary, the available evidence is currently insufficient to determine the role of this variant in disease. Therefore, it has been classified as a Variant of Uncertain Significance.

Ambry Genetics
Classification: Likely benign for Cardiovascular phenotype; Hereditary cancer-predisposing syndrome. Last evaluated: 2025-03-21. Review status: criteria provided, single submitter. Criteria: Ambry Variant Classification Scheme 2023. Collection method: clinical testing. Allele origin: germline.